The following is an entry in ClinVar:

ClinVar aggregate classification (germline): Uncertain significance (1 of 4 stars; one submission).

Submission:

GeneDx
Classification: Uncertain significance. Last evaluated: 2024-03-04. Review status: criteria provided, single submitter. Criteria: GeneDx Variant Classification Process June 2021. Collection method: clinical testing. Allele origin: germline. Affected: yes.
Comment: Not observed at significant frequency in large population cohorts (gnomAD); In silico analysis supports that this missense variant does not alter protein structure/function; Has not been previously published as pathogenic or benign to our knowledge

NM_001042424.3(NSD2):c.3247A>G (p.Ile1083Val)

Gene: NSD2 (nuclear receptor binding SET domain protein 2; plus strand). Cytogenetic location: 4p16.3.
Variant type: single nucleotide variant.
Coding change: c.3247A>G on transcript NM_001042424.3 (MANE Select); coding-DNA position 3247, A replaced by G.
Protein change: p.Ile1083Val; replaces isoleucine 1083 with valine.
Molecular consequence: missense variant.
Genome position (GRCh38, 1-based): chr4:1,959,732, A>G. VCF-style: chr4-1959732-A-G. GRCh37 (hg19) VCF-style: chr4-1961459-A-G.
Other names: c.3247A>G, p.Ile1083Val (NM_133330.3, NM_133331.3, NM_133335.4); short protein forms I1083V.
Identifiers: ClinVar variation 3373683 (VCV003373683.1).